The following is an entry in ClinVar:

ClinVar aggregate classification (germline): Conflicting classifications of pathogenicity. Review status: criteria provided, conflicting classifications (1 of 4 stars). 2 submissions from 2 submitters: Uncertain significance (1); Likely benign (1). Last evaluated 2025-08-25.

Conditions:
DRC4-related condition.
Primary ciliary dyskinesia 33. Also called: CILIARY DYSKINESIA, PRIMARY, 33, WITHOUT SITUS INVERSUS. Identifiers: Orphanet 244, MedGen C4225230, MONDO:0014750, OMIM 616726.

Allele frequency attached by ClinVar (database versions not stated): 1000 Genomes Project 0.00040; ESP Exome Variant Server 0.00046; gnomAD 0.00054 and 0.00059; TOPMed 0.00068; gnomAD exomes 0.00006 and 0.00016; ExAC 0.00019; 1000 Genomes Project 30x 0.00031.
gnomAD v4.1: 171 of 1,614,224 alleles (0.011%); highest among the groups gnomAD compares: African/African-American, 0.18%; no homozygotes.

Submissions (2):

PreventionGenetics, part of Exact Sciences
Classification: Likely benign for DRC4-related condition. Last evaluated: 2025-08-25. Review status: criteria provided, single submitter. Criteria: ACMG Guidelines, 2015. Collection method: clinical testing. Allele origin: germline.
Comment: This variant is classified as likely benign based on ACMG/AMP sequence variant interpretation guidelines (Richards et al. 2015 PMID: 25741868, with internal and published modifications).

Labcorp Genetics (formerly Invitae), Labcorp
Classification: Uncertain significance for Primary ciliary dyskinesia 33. Last evaluated: 2022-08-15. Review status: criteria provided, single submitter. Criteria: Invitae Variant Classification Sherloc (09022015). Collection method: clinical testing. Allele origin: germline.
Comment: This sequence change replaces lysine, which is basic and polar, with glutamic acid, which is acidic and polar, at codon 11 of the GAS8 protein (p.Lys11Glu). This variant is present in population databases (rs146066553, gnomAD 0.2%). This variant has not been reported in the literature in individuals affected with GAS8-related conditions. ClinVar contains an entry for this variant (Variation ID: 475563). Algorithms developed to predict the effect of missense changes on protein structure and function (SIFT, PolyPhen-2, Align-GVGD) all suggest that this variant is likely to be tolerated. In summary, the available evidence is currently insufficient to determine the role of this variant in disease. Therefore, it has been classified as a Variant of Uncertain Significance.

NM_001481.3(DRC4):c.31A>G (p.Lys11Glu)

Gene: DRC4 (dynein regulatory complex subunit 4; plus strand). Cytogenetic location: 16q24.3.
Variant type: single nucleotide variant.
Coding change: c.31A>G on transcript NM_001481.3 (MANE Select); coding-DNA position 31, A replaced by G.
Protein change: p.Lys11Glu; replaces lysine 11 with glutamic acid.
Molecular consequence: missense variant. On other transcripts: 5 prime UTR variant (3).
Genome position (GRCh38, 1-based): chr16:90,027,663, A>G. VCF-style: chr16-90027663-A-G. GRCh37 (hg19) VCF-style: chr16-90094071-A-G.
Other names: c.-342A>G (NM_001286205.2); c.-614A>G (NM_001286208.2); c.-45A>G (NM_001286209.2); short protein forms K11E.
Identifiers: ClinVar variation 475563 (VCV000475563.8), dbSNP rs146066553, ClinGen allele CA8257442.